The following is an entry in ClinVar:

NM_000092.5(COL4A4):c.4034dup (p.Leu1347fs)

Gene: COL4A4 (collagen type IV alpha 4 chain; minus strand). Cytogenetic location: 2q36.3.
Variant type: Duplication.
Coding change: c.4034dup on transcript NM_000092.5 (MANE Select); coding-DNA position 4034, one base duplicated (A; older notation c.4034dupA).
Protein change: p.Leu1347fs; shifts the reading frame from leucine 1347.
Molecular consequence: frameshift variant.
Genome position (GRCh38, 1-based): chr2:227,027,949, T duplicated on the plus strand (A on the coding strand, the reverse complement: COL4A4 is on the minus strand); the first of 2 consecutive T bases (chr2:227,027,949-227,027,950); duplicating either gives the same sequence. VCF-style (leftmost placement, unchanged base first): chr2-227027948-C-CT. GRCh37 (hg19) VCF-style: chr2-227892664-C-CT.
Other names: c.4034dupA (NM_000092.5); short protein forms L1347fs.
Identifiers: ClinVar variation 3769484 (VCV003769484.2).
Genomic context (GRCh38, chr2:227,027,948, plus strand): 5'-GGTTGGAAGCTCACCCGGAAGACCAGTGGGCCCTTTTCTCCCTGGAGGTCCAGGTAAACC[C>CT]TTCTCTCCAGGTGGCCCAGGAAATCCATGTGGTCCCTGCGGTCCCGGGAATCCCACTGGT-3'

ClinVar aggregate classification (germline): Pathogenic (1 of 4 stars; one submission).

Conditions:
Autosomal recessive Alport syndrome (ATS2). Also called: COL4A4 Alport Syndrome and Thin Basement Membrane Nephropathy; ALPORT SYNDROME 2, AUTOSOMAL RECESSIVE; COL4A3-Related Nephropathy; Alport syndrome type 2. Identifiers: Orphanet 63, Orphanet 88919, MedGen C4746745, MONDO:0008762, OMIM 203780.

Submission:

Women's Health and Genetics/Laboratory Corporation of America, LabCorp
Classification: Pathogenic for Autosomal recessive Alport syndrome. Last evaluated: 2025-01-30. Review status: criteria provided, single submitter. Criteria: LabCorp Variant Classification Summary - May 2015. Collection method: clinical testing. Allele origin: germline.
Comment: Variant summary: COL4A4 c.4034dupA (p.Leu1347PhefsX19) results in a premature termination codon, predicted to cause a truncation of the encoded protein or absence of the protein due to nonsense mediated decay, which are commonly known mechanisms for disease. The variant was absent in 249188 control chromosomes. To our knowledge, no occurrence of c.4034dupA in individuals affected with COL4A4-related disorders and no experimental evidence demonstrating its impact on protein function have been reported. No submitters have cited clinical-significance assessments for this variant to ClinVar. Based on the evidence outlined above, this variant was classified as pathogenic for autosomal dominant familial benign hematuria 1 and autosomal recessive Alport Syndrome 2.